The following is an entry in ClinVar:

ClinVar aggregate classification (germline): Uncertain significance. Review status: criteria provided, multiple submitters, no conflicts (2 of 4 stars). 2 submissions from 2 submitters: Uncertain significance (2). Last evaluated 2026-01-27.

Allele frequency attached by ClinVar (database versions not stated): TOPMed below 0.00001; ExAC 0.00002; gnomAD exomes 0.00003.
gnomAD v4.1: 10 of 1,614,056 alleles (0.00062%); highest among the groups gnomAD compares: Admixed American, 0.012%; no homozygotes.

Submissions (2):

Labcorp Genetics (formerly Invitae), Labcorp
Classification: Uncertain significance. Last evaluated: 2026-01-27. Review status: criteria provided, single submitter. Criteria: Invitae Variant Classification Sherloc (09022015). Collection method: clinical testing. Allele origin: germline.
Comment: This sequence change replaces methionine, which is neutral and non-polar, with valine, which is neutral and non-polar, at codon 389 of the TBX15 protein (p.Met389Val). This variant is present in population databases (rs757802439, gnomAD 0.02%). This variant has not been reported in the literature in individuals affected with TBX15-related conditions. ClinVar contains an entry for this variant (Variation ID: 596970). Invitae Evidence Modeling of protein sequence and biophysical properties (such as structural, functional, and spatial information, amino acid conservation, physicochemical variation, residue mobility, and thermodynamic stability) indicates that this missense variant is not expected to disrupt TBX15 protein function with a negative predictive value of 80%. In summary, the available evidence is currently insufficient to determine the role of this variant in disease. Therefore, it has been classified as a Variant of Uncertain Significance.

Eurofins Ntd Llc (ga)
Classification: Uncertain significance. Last evaluated: 2018-06-02. Review status: criteria provided, single submitter. Criteria: EGL ClinVar v180209 classification definitions. Collection method: clinical testing. Allele origin: germline. Observed: 1 variant allele, 1 heterozygote.

NM_001330677.2(TBX15):c.1483A>G (p.Met495Val)

Gene: TBX15 (T-box transcription factor 15; minus strand). Cytogenetic location: 1p12.
Variant type: single nucleotide variant.
Coding change: c.1483A>G on transcript NM_001330677.2 (MANE Select); coding-DNA position 1483, A replaced by G.
Protein change: p.Met495Val; replaces methionine 495 with valine.
Molecular consequence: missense variant.
Genome position (GRCh38, 1-based): chr1:118,885,058, T>C on the plus strand (A>G on the coding strand, the complement: TBX15 is on the minus strand). VCF-style: chr1-118885058-T-C. GRCh37 (hg19) VCF-style: chr1-119427681-T-C.
Other names: c.1165A>G, p.Met389Val (NM_152380.3); short protein forms M389V, M495V.
Identifiers: ClinVar variation 596970 (VCV000596970.6), dbSNP rs757802439, ClinGen allele CA1034837.